The following is an entry in ClinVar:

ClinVar aggregate classification (germline): Pathogenic. Review status: reviewed by expert panel (3 of 4 stars). 17 submissions from 15 submitters: Pathogenic (1). 16 of the submissions do not count toward it. Last evaluated 2017-03-17.

Conditions:
Cystic fibrosis diagnostic test.
CFTR-related disorder (CFTR-RD). Also called: CFTR-related condition; CFTR-related disorders. Identifiers: MedGen C5924204, MONDO:7770004.
Congenital bilateral aplasia of vas deferens from CFTR mutation (CBAVD). Identifiers: Orphanet 48, MedGen C0403814, MONDO:0010178, OMIM 277180. Disease mechanism: loss of function.
Cystic fibrosis (CF). Also called: MUCOVISCIDOSIS. Identifiers: Orphanet 586, MedGen C0010674, MONDO:0009061, OMIM 219700. Disease mechanism: loss of function.
Bronchiectasis with or without elevated sweat chloride 1 (BESC1). Also called: Cystic Fibrosis-Like Syndrome. Identifiers: Orphanet 60033, MedGen C2749757, MONDO:0008887, OMIM 211400.
Hereditary pancreatitis (PCTT). Also called: PRSS1-Related Hereditary Pancreatitis; Hereditary chronic pancreatitis. Identifiers: Orphanet 676, MedGen C0238339, MONDO:0008185, OMIM 167800.

Allele frequency attached by ClinVar (database versions not stated): gnomAD exomes 0.00010 and 0.00004; gnomAD 0.00001; ExAC 0.00010.
gnomAD v4.1: 62 of 1,603,540 alleles (0.0039%); highest among the groups gnomAD compares: South Asian, 0.066%; no homozygotes.

Submissions (17):

CFTR2
Classification: Pathogenic for Cystic fibrosis. Last evaluated: 2017-03-17. Review status: reviewed by expert panel. Criteria: Sosnay PR et al. (Nat Genet 2013). Collection method: research. Allele origin: germline. Affected: yes. Study: CFTR2.

Natera, Inc.
Classification: Pathogenic for CFTR-related disorders. Last evaluated: 2025-11-12. Review status: criteria provided, single submitter. Criteria: Natera Variant Classification Schema (03/2026). Collection method: clinical testing. Allele origin: germline. Not counted in ClinVar's aggregate classification.
Comment: The c.1705T>G variant in CFTR is a missense variant predicted to cause substitution of tyrosine to aspartic acid at amino acid 569. This variant is rare in the general population with a frequency below the threshold expected for the associated phenotype(s). This variant has been observed in one or more individuals affected with the associated recessive disease, as either homozygous or compound heterozygous with a second variant (PMID: 30888834, 25910067, 30877757). Given the available evidence, this variant is classified as Pathogenic.

NHS Central & South Genomic Laboratory Hub
Classification: Pathogenic for Cystic fibrosis diagnostic test. Last evaluated: 2025-10-21. Review status: criteria provided, single submitter. Criteria: ACMG Guidelines, 2015. Collection method: clinical testing. Allele origin: germline. Affected: yes. Not counted in ClinVar's aggregate classification.

Labcorp Genetics (formerly Invitae), Labcorp
Classification: Pathogenic for Cystic fibrosis. Last evaluated: 2025-10-09. Review status: criteria provided, single submitter. Criteria: Invitae Variant Classification Sherloc (09022015). Collection method: clinical testing. Allele origin: germline. Not counted in ClinVar's aggregate classification.
Comment: This sequence change replaces tyrosine, which is neutral and polar, with aspartic acid, which is acidic and polar, at codon 569 of the CFTR protein (p.Tyr569Asp). This variant is present in population databases (rs397508276, gnomAD 0.08%). This missense change has been observed in individual(s) with CFTR-related conditions (PMID: 9482579, 12007216, 12357328, 23613805, 26708955, 27625827). In at least one individual the data is consistent with being in trans (on the opposite chromosome) from a pathogenic variant. ClinVar contains an entry for this variant (Variation ID: 53352). Invitae Evidence Modeling of protein sequence and biophysical properties (such as structural, functional, and spatial information, amino acid conservation, physicochemical variation, residue mobility, and thermodynamic stability) indicates that this missense variant is expected to disrupt CFTR protein function with a positive predictive value of 80%. Experimental studies have shown that this missense change affects CFTR function (PMID: 23891399). For these reasons, this variant has been classified as Pathogenic.

Foundation for Research in Genetics and Endocrinology, FRIGE's Institute of Human Genetics
Classification: Pathogenic for Cystic fibrosis. Last evaluated: 2025-07-02. Review status: criteria provided, single submitter. Criteria: ACMG Guidelines, 2015. Collection method: clinical testing. Allele origin: germline. Inheritance: Autosomal recessive inheritance. Affected: yes. Observed: 1 homozygote. Not counted in ClinVar's aggregate classification.
Comment: The homozygous missense variant c.1705T>G; p.Tyr569Asp, has been detected in the CFTR gene and it leads to a change in amino acid from Tyrosine to Aspartic Acid at codon 569. This variant has been reported in population frequency databases such as gnomAD (MAF-0.0039%) and reported in ExAC (MAF-0.0099%). This variant is predicted to be deleterious by in silico prediction tools such as Revel (0.9610), AlphaMissense, Eve, SIFT, MutationTaster, DANN, MetaLR and BayesDel. In summary, the variant meets our criteria to be classified as pathogenic.

Baylor Genetics
Classification: Pathogenic for Bronchiectasis with or without elevated sweat chloride 1. Last evaluated: 2024-03-20. Review status: criteria provided, single submitter. Criteria: ACMG Guidelines, 2015. Collection method: clinical testing. Allele origin: unknown. Not counted in ClinVar's aggregate classification.

Fulgent Genetics
Classification: Pathogenic for Hereditary pancreatitis; Bronchiectasis with or without elevated sweat chloride 1; Cystic fibrosis; Congenital bilateral aplasia of vas deferens from CFTR mutation. Last evaluated: 2024-01-16. Review status: criteria provided, single submitter. Criteria: ACMG Guidelines, 2015. Collection method: clinical testing. Allele origin: germline. Not counted in ClinVar's aggregate classification.

Genome Diagnostics Laboratory, The Hospital for Sick Children
Classification: Pathogenic for Cystic fibrosis. Last evaluated: 2020-06-25. Review status: criteria provided, single submitter. Criteria: ACMG Guidelines, 2015. Collection method: clinical testing. Allele origin: germline. Not counted in ClinVar's aggregate classification.

Women's Health and Genetics/Laboratory Corporation of America, LabCorp
Classification: Pathogenic. Last evaluated: 2018-02-08. Review status: criteria provided, single submitter. Criteria: LabCorp Variant Classification Summary - May 2015. Collection method: clinical testing. Allele origin: germline. Not counted in ClinVar's aggregate classification.
Comment: Variant summary: CFTR c.1705T>G (p.Tyr569Asp) results in a non-conservative amino acid change located in the ABC transporter-like of the encoded protein sequence. Five of five in-silico tools predict a damaging effect of the variant on protein function. The variant allele was found at a frequency of 9.9e-05 in 120772 control chromosomes. This frequency is not significantly higher than expected for a pathogenic variant in CFTR causing Cystic Fibrosis (9.9e-05 vs 0.013), allowing no conclusion about variant significance. c.1705T>G has been reported in the literature in multiple individuals affected with Cystic Fibrosis, including families where the variant segregates with disease in the homozygous state (Malone_1998). Multiple functional studies have shown the variant to result in absent chloride transport/conductance (Van Goor_2014, Sosnay_2013). Two clinical diagnostic laboratories have submitted clinical-significance assessments for this variant to ClinVar after 2014 without evidence for independent evaluation. All laboratories classified the variant as pathogenic. Based on the evidence outlined above, the variant was classified as pathogenic.

Clinical Genetics and Genomics, Karolinska University Hospital
Classification: Pathogenic. Last evaluated: 2016-04-08. Review status: criteria provided, single submitter. Criteria: ACMG Guidelines, 2015. Collection method: clinical testing. Allele origin: germline. Affected: yes. Observed: 3 variant alleles. Not counted in ClinVar's aggregate classification.

CFTR-France
Classification: Pathogenic for cystic fibrosis. Last evaluated: 2015-07-03. Review status: criteria provided, single submitter. Criteria: Claustres M et al. (Hum Mutat 2017). Collection method: curation. Allele origin: germline. Affected: yes. Not counted in ClinVar's aggregate classification.

Arcensus
Classification: Likely pathogenic for Cystic fibrosis. Last evaluated: 2013-02-01. Review status: criteria provided, single submitter. Criteria: ACMG Guidelines, 2015. Collection method: clinical testing. Allele origin: germline. Affected: yes. Not counted in ClinVar's aggregate classification.

Baylor Genetics
Classification: Pathogenic for Congenital bilateral aplasia of vas deferens from CFTR mutation; Cystic fibrosis. Review status: criteria provided, single submitter. Criteria: ACMG Guidelines, 2015. Collection method: clinical testing. Allele origin: germline. Not counted in ClinVar's aggregate classification.

CENTOGENE GmbH and LLC - Guiding Precision Medicine
Classification: Pathogenic for Cystic fibrosis. Review status: criteria provided, single submitter. Criteria: ACMG Guidelines, 2015. Collection method: clinical testing. Allele origin: germline. Affected: yes. Not counted in ClinVar's aggregate classification.

Neuberg Centre For Genomic Medicine, NCGM
Classification: Pathogenic for Cystic fibrosis. Review status: criteria provided, single submitter. Criteria: ACMG Guidelines, 2015. Collection method: clinical testing. Allele origin: germline. Affected: yes. Not counted in ClinVar's aggregate classification.
Comment: The missense variant p.Y569D in CFTR (NM_000492.4) causes the same amino acid change as a previously established pathogenic variant. This variant has been observed in individuals affected with CFTR-related conditions (Deepak et al, 2012; Schrijver et al, 2017). This variant is present in population databases (rs397508276, ExAC 0.07%). 9 variants within 6 amino acid positions of the variant p.Y569D have been shown to be pathogenic, while none have been shown to be benign. The p.Y569D missense variant is predicted to be damaging by both SIFT and PolyPhen2. The tyrosine residue at codon 569 of CFTR is conserved in all mammalian species. The nucleotide c.1705 in CFTR is predicted conserved by GERP++ and PhyloP across 100 vertebrates. This variant has been reported to affect CFTR protein function. For these reasons, this variant has been classified as Pathogenic.

Genome Diagnostics Laboratory, The Hospital for Sick Children
Classification: Pathogenic for CFTR-related disorders. Last evaluated: 2020-06-25. Review status: no assertion criteria provided. Collection method: clinical testing. Allele origin: germline. Not counted in ClinVar's aggregate classification.

Counsyl
Classification: Pathogenic for Cystic fibrosis. Last evaluated: 2016-08-29. Review status: no assertion criteria provided. Collection method: clinical testing. Allele origin: unknown. Not counted in ClinVar's aggregate classification.

Literature cited by the submitters: PubMed 30888834 (cited by Natera, Inc.); PubMed 25910067 (cited by Natera, Inc.); PubMed 30877757 (cited by Natera, Inc.); PubMed 9482579 (cited by Labcorp Genetics (formerly Invitae), Labcorp and Women's Health and Genetics/Laboratory Corporation of America, LabCorp); PubMed 12007216 (cited by Labcorp Genetics (formerly Invitae), Labcorp and Women's Health and Genetics/Laboratory Corporation of America, LabCorp); PubMed 12357328 (cited by Labcorp Genetics (formerly Invitae), Labcorp and Women's Health and Genetics/Laboratory Corporation of America, LabCorp); PubMed 23613805 (cited by Labcorp Genetics (formerly Invitae), Labcorp); PubMed 26708955 (cited by Labcorp Genetics (formerly Invitae), Labcorp); PubMed 27625827 (cited by Labcorp Genetics (formerly Invitae), Labcorp); PubMed 23891399 (cited by 3 submitters); PubMed 15880796 (cited by Women's Health and Genetics/Laboratory Corporation of America, LabCorp); PubMed 18456578 (cited by Women's Health and Genetics/Laboratory Corporation of America, LabCorp); PubMed 23974870 (cited by Women's Health and Genetics/Laboratory Corporation of America, LabCorp and Counsyl); PubMed 14685259 (cited by Women's Health and Genetics/Laboratory Corporation of America, LabCorp); PubMed 17968991 (cited by Women's Health and Genetics/Laboratory Corporation of America, LabCorp).

NM_000492.4(CFTR):c.1705T>G (p.Tyr569Asp)

Gene: CFTR (CF transmembrane conductance regulator; plus strand). Cytogenetic location: 7q31.2.
Variant type: single nucleotide variant.
Coding change: c.1705T>G on transcript NM_000492.4 (MANE Select); coding-DNA position 1705, T replaced by G.
Protein change: p.Tyr569Asp; replaces tyrosine 569 with aspartic acid.
Molecular consequence: missense variant.
Genome position (GRCh38, 1-based): chr7:117,590,378, T>G. VCF-style: chr7-117590378-T-G. GRCh37 (hg19) VCF-style: chr7-117230432-T-G.
Other names: c.[1705T>G] (NM_000492.3); short protein forms Y569D.
Identifiers: ClinVar variation 53352 (VCV000053352.42), dbSNP rs397508276, ClinGen allele CA326624.
Genomic context (GRCh38, chr7:117,590,378, plus strand): 5'-GAGGAAATGTAATTTAATTTCCATTTTCTTTTTAGAGCAGTATACAAAGATGCTGATTTG[T>G]ATTTATTAGACTCTCCTTTTGGATACCTAGATGTTTTAACAGAAAAAGAAATATTTGAAA-3'
Protein context (NP_000483.3, residues 559-579): ARAVYKDADL[Tyr569Asp]LLDSPFGYLD